The following is an entry in ClinVar:

NM_006014.5(LAGE3):c.127C>A (p.Pro43Thr)

Genes: LAGE3 (L antigen family member 3; minus strand), LOC130068876 (ATAC-STARR-seq lymphoblastoid silent region 21109; plus strand). Cytogenetic location: Xq28.
Variant type: single nucleotide variant.
Coding change: c.127C>A on transcript NM_006014.5 (MANE Select); coding-DNA position 127, C replaced by A.
Protein change: p.Pro43Thr; replaces proline 43 with threonine.
Molecular consequence: missense variant.
Genome position (GRCh38, 1-based): chrX:154,478,789, G>T on the plus strand (C>A on the coding strand, the complement: LAGE3 is on the minus strand). VCF-style: chrX-154478789-G-T. GRCh37 (hg19) VCF-style: chrX-153707128-G-T.
Other names: short protein forms P43T.
Identifiers: ClinVar variation 2093903 (VCV002093903.4), dbSNP rs1291253833, ClinGen allele CA415193884.

ClinVar aggregate classification (germline): Uncertain significance (1 of 4 stars; one submission).

Allele frequency attached by ClinVar (database versions not stated): gnomAD 0.00001.

Submission:

Labcorp Genetics (formerly Invitae), Labcorp
Classification: Uncertain significance. Last evaluated: 2024-01-02. Review status: criteria provided, single submitter. Criteria: Invitae Variant Classification Sherloc (09022015). Collection method: clinical testing. Allele origin: germline.
Comment: This sequence change replaces proline, which is neutral and non-polar, with threonine, which is neutral and polar, at codon 43 of the LAGE3 protein (p.Pro43Thr). This variant is present in population databases (no rsID available, gnomAD 0.01%). This variant has not been reported in the literature in individuals affected with LAGE3-related conditions. ClinVar contains an entry for this variant (Variation ID: 2093903). An algorithm developed to predict the effect of missense changes on protein structure and function (PolyPhen-2) suggests that this variant is likely to be tolerated. In summary, the available evidence is currently insufficient to determine the role of this variant in disease. Therefore, it has been classified as a Variant of Uncertain Significance.